The following is an entry in ClinVar:

ClinVar aggregate classification (germline): Pathogenic/Likely pathogenic. Review status: criteria provided, multiple submitters, no conflicts (2 of 4 stars). 10 submissions from 10 submitters: Pathogenic (9); Likely pathogenic (1). Last evaluated 2026-09-11.

Conditions:
Polycystic kidney disease, adult type (PKD1). Also called: Polycystic Kidney, Autosomal Dominant; Polycystic Kidney Disease 1, Autosomal Dominant; Polycystic kidney disease 1; Polycystic kidney disease 1, severe; POLYCYSTIC KIDNEY DISEASE 1 WITH OR WITHOUT POLYCYSTIC LIVER DISEASE; POLYCYSTIC KIDNEY DISEASE, ADULT, TYPE I. Identifiers: MedGen C3149841, MONDO:0008263, OMIM 173900.
PKD1-related disorder. Also called: PKD1-related condition.

Submissions (10):

PreventionGenetics, part of Exact Sciences
Classification: Pathogenic for PKD1-related condition. Last evaluated: 2026-09-11. Review status: criteria provided, single submitter. Criteria: ACMG Guidelines, 2015. Collection method: clinical testing. Allele origin: germline.
Comment: The PKD1 c.11863C>T variant is predicted to result in premature protein termination (p.Gln3955*). This variant was reported in individuals with autosomal dominant polycystic kidney disease (ADPKD) (see for example, Table 1A, Rossetti et al. 2007. PubMed ID: 17582161; Zhang et al. 2019. PubMed ID: 29633482). This variant has not been reported in a large population database (gnomAD), indicating this variant is rare. Nonsense variants in PKD1 are expected to be pathogenic. This variant is interpreted as pathogenic.

Medical and Scientific Branch, Hong Kong Genome Institute
Classification: Pathogenic for Polycystic kidney disease, adult type. Last evaluated: 2026-01-26. Review status: criteria provided, single submitter. Criteria: ACMG Guidelines, 2015. Collection method: clinical testing. Allele origin: unknown. Affected: yes.

Department of Clinical Genetics, Copenhagen University Hospital, Rigshospitalet
Classification: Pathogenic for Polycystic kidney disease, adult type. Last evaluated: 2025-05-05. Review status: criteria provided, single submitter. Criteria: ACMG Guidelines, 2015. Collection method: clinical testing. Allele origin: germline.
Comment: PVS1_VSt, PS4_mod

Women's Health and Genetics/Laboratory Corporation of America, LabCorp
Classification: Pathogenic for Polycystic kidney disease, adult type. Last evaluated: 2025-05-01. Review status: criteria provided, single submitter. Criteria: LabCorp Variant Classification Summary - May 2015. Collection method: clinical testing. Allele origin: germline.
Comment: Variant summary: PKD1 c.11863C>T (p.Gln3955X) results in a premature termination codon, predicted to cause a truncation of the encoded protein or absence of the protein due to nonsense mediated decay, which are commonly known mechanisms for disease. The variant was absent in 128112 control chromosomes. c.11863C>T has been observed in individual(s) affected with Polycystic Kidney Disease 1 (example: Zhang_2019). To our knowledge, no experimental evidence demonstrating an impact on protein function has been reported. ClinVar contains an entry for this variant (Variation ID: 974399). Based on the evidence outlined above, the variant was classified as pathogenic.

Fulgent Genetics
Classification: Pathogenic for Polycystic kidney disease, adult type. Last evaluated: 2024-03-12. Review status: criteria provided, single submitter. Criteria: ACMG Guidelines, 2015. Collection method: clinical testing. Allele origin: germline.

Department of Pathology and Laboratory Medicine, Sinai Health System
Classification: Pathogenic for Polycystic kidney disease, adult type. Last evaluated: 2024-01-25. Review status: criteria provided, single submitter. Criteria: ACMG Guidelines, 2015. Collection method: clinical testing. Allele origin: germline. Affected: yes.

Institute of Human Genetics Munich, TUM University Hospital
Classification: Pathogenic for Polycystic kidney disease, adult type. Last evaluated: 2023-11-15. Review status: criteria provided, single submitter. Criteria: Classification criteria August 2017. Collection method: clinical testing. Allele origin: germline. Inheritance: Autosomal dominant inheritance. Affected: yes. Observed: 1 variant allele.

GeneDx
Classification: Pathogenic. Last evaluated: 2023-03-03. Review status: criteria provided, single submitter. Criteria: GeneDx Variant Classification Process June 2021. Collection method: clinical testing. Allele origin: germline. Affected: yes.
Comment: Nonsense variant predicted to result in protein truncation or nonsense mediated decay in a gene for which loss-of-function is a known mechanism of disease; Not observed at significant frequency in large population cohorts (gnomAD); This variant is associated with the following publications: (PMID: 25525159, 17582161, 33532864, 29633482)

Department of Human Genetics, Hannover Medical School
Classification: Likely pathogenic for Polycystic kidney disease, adult type. Last evaluated: 2022-08-19. Review status: criteria provided, single submitter. Criteria: ACMG Guidelines, 2015. Collection method: clinical testing. Allele origin: germline. Inheritance: Autosomal dominant inheritance. Affected: yes.

Molecular Biology Laboratory, Fundació Puigvert
Classification: Pathogenic for Polycystic kidney disease, adult type. Last evaluated: 2020-02-01. Review status: criteria provided, single submitter. Criteria: ACMG Guidelines, 2015. Collection method: research. Allele origin: germline. Affected: yes. Study: KidneyPanel_2020.

Literature cited by the submitters: PubMed 33532864 (cited by 3 submitters); PubMed 25525159 (cited by Department of Clinical Genetics, Copenhagen University Hospital, Rigshospitalet); PubMed 29633482 (cited by Women's Health and Genetics/Laboratory Corporation of America, LabCorp); PubMed 17582161 (cited by Department of Pathology and Laboratory Medicine, Sinai Health System).

NM_001009944.3(PKD1):c.11863C>T (p.Gln3955Ter)

Gene: PKD1 (polycystin 1, transient receptor potential channel interacting; minus strand). Cytogenetic location: 16p13.3.
Variant type: single nucleotide variant.
Coding change: c.11863C>T on transcript NM_001009944.3 (MANE Select); coding-DNA position 11863, C replaced by T.
Protein change: p.Gln3955Ter; replaces glutamine 3955 with a stop codon.
Molecular consequence: nonsense.
Genome position (GRCh38, 1-based): chr16:2,091,024, G>A on the plus strand (C>T on the coding strand, the complement: PKD1 is on the minus strand). VCF-style: chr16-2091024-G-A. GRCh37 (hg19) VCF-style: chr16-2141025-G-A.
Other names: c.11863C>T (NM_001009944.2); c.11860C>T, p.Gln3954Ter (NM_000296.4); short protein forms Q3954*, Q3955*.
Identifiers: ClinVar variation 974399 (VCV000974399.20), dbSNP rs2091493090, ClinGen allele CA394329547.